The following is an entry in ClinVar:

NM_022489.4(INF2):c.743T>C (p.Phe248Ser)

Gene: INF2 (inverted formin 2; plus strand). Cytogenetic location: 14q32.33.
Variant type: single nucleotide variant.
Coding change: c.743T>C on transcript NM_022489.4 (MANE Select); coding-DNA position 743, T replaced by C.
Protein change: p.Phe248Ser; replaces phenylalanine 248 with serine.
Molecular consequence: missense variant.
Genome position (GRCh38, 1-based): chr14:104,706,076, T>C. VCF-style: chr14-104706076-T-C. GRCh37 (hg19) VCF-style: chr14-105172413-T-C.
Other names: c.743T>C, p.Phe248Ser (NM_001031714.4, NM_001426862.1, NM_001426863.1 and 2 more transcripts); short protein forms F248S.
Identifiers: ClinVar variation 2948632 (VCV002948632.3), dbSNP rs2541911353, ClinGen allele CA391213962.

ClinVar aggregate classification (germline): Uncertain significance (1 of 4 stars; one submission).

Conditions:
Focal segmental glomerulosclerosis 5 (FSGS5). Identifiers: Orphanet 656, MedGen C2750475, MONDO:0013191, OMIM 613237.
Charcot-Marie-Tooth disease dominant intermediate E. Also called: CHARCOT-MARIE-TOOTH NEUROPATHY WITH FOCAL SEGMENTAL GLOMERULONEPHRITIS. Identifiers: Orphanet 93114, MedGen C4302667, MONDO:0013758, OMIM 614455.

Submission:

Labcorp Genetics (formerly Invitae), Labcorp
Classification: Uncertain significance for Charcot-Marie-Tooth disease dominant intermediate E; Focal segmental glomerulosclerosis 5. Last evaluated: 2023-06-06. Review status: criteria provided, single submitter. Criteria: Invitae Variant Classification Sherloc (09022015). Collection method: clinical testing. Allele origin: germline.
Comment: Advanced modeling of protein sequence and biophysical properties (such as structural, functional, and spatial information, amino acid conservation, physicochemical variation, residue mobility, and thermodynamic stability) performed at Invitae indicates that this missense variant is expected to disrupt INF2 protein function. This variant has not been reported in the literature in individuals affected with INF2-related conditions. This variant is not present in population databases (gnomAD no frequency). This sequence change replaces phenylalanine, which is neutral and non-polar, with serine, which is neutral and polar, at codon 248 of the INF2 protein (p.Phe248Ser). In summary, the available evidence is currently insufficient to determine the role of this variant in disease. Therefore, it has been classified as a Variant of Uncertain Significance.